The following is an entry in ClinVar:

NM_013275.6(ANKRD11):c.3483C>T (p.Ser1161=)

Gene: ANKRD11 (ankyrin repeat domain 11; minus strand). Cytogenetic location: 16q24.3.
Variant type: single nucleotide variant.
Coding change: c.3483C>T on transcript NM_013275.6 (MANE Select); coding-DNA position 3483, C replaced by T.
Protein change: p.Ser1161=; no amino-acid change (serine 1161 retained).
Molecular consequence: synonymous variant.
Genome position (GRCh38, 1-based): chr16:89,283,059, G>A on the plus strand (C>T on the coding strand, the complement: ANKRD11 is on the minus strand). VCF-style: chr16-89283059-G-A. GRCh37 (hg19) VCF-style: chr16-89349467-G-A.
Other names: c.3483C>T, p.Ser1161= (NM_001256182.2, NM_001256183.2).
Identifiers: ClinVar variation 588624 (VCV000588624.64), dbSNP rs150642594, ClinGen allele CA8242348.

ClinVar aggregate classification (germline): Benign/Likely benign. Review status: criteria provided, multiple submitters, no conflicts (2 of 4 stars). 8 submissions from 8 submitters: Benign (4); Likely benign (4). Last evaluated 2026-06-01.

Conditions:
KBG syndrome (KBGS). Also called: ANKRD11-Related KBG Syndrome. Identifiers: Orphanet 2332, MedGen C0220687, MONDO:0007846, OMIM 148050.
Inborn genetic diseases. Identifiers: MedGen C0950123, MeSH D030342.

Allele frequency attached by ClinVar (database versions not stated): 1000 Genomes Project 0.00200; 1000 Genomes Project 30x 0.00250; gnomAD 0.00344 and 0.00365; TOPMed 0.00345; ESP Exome Variant Server 0.00362.
gnomAD v4.1: 1,017 of 1,613,750 alleles (0.063%); highest among the groups gnomAD compares: African/African-American, 1.2%; 3 homozygotes.

Submissions (8):

CeGaT Center for Human Genetics Tuebingen
Classification: Likely benign. Last evaluated: 2026-06-01. Review status: criteria provided, single submitter. Criteria: CeGaT Center For Human Genetics Tuebingen Variant Classification Criteria Version 2. Collection method: clinical testing. Allele origin: germline. Affected: yes. Observed: 3 variant alleles.
Comment: ANKRD11: BP4, BP7, BS1

Labcorp Genetics (formerly Invitae), Labcorp
Classification: Benign for KBG syndrome. Last evaluated: 2026-01-25. Review status: criteria provided, single submitter. Criteria: Invitae Variant Classification Sherloc (09022015). Collection method: clinical testing. Allele origin: germline.

Blueprint Genetics
Classification: Likely benign. Last evaluated: 2024-09-24. Review status: criteria provided, single submitter. Criteria: ACMG Guidelines, 2015. Collection method: clinical testing. Allele origin: germline.

ARUP Laboratories, Molecular Genetics and Genomics, ARUP Laboratories
Classification: Benign for KBG syndrome. Last evaluated: 2024-06-06. Review status: criteria provided, single submitter. Criteria: ARUP Molecular Germline Variant Investigation Process 2024. Collection method: clinical testing. Allele origin: germline.

GeneDx
Classification: Benign. Last evaluated: 2022-03-22. Review status: criteria provided, single submitter. Criteria: GeneDx Variant Classification Process June 2021. Collection method: clinical testing. Allele origin: germline. Affected: yes.

Genome-Nilou Lab
Classification: Benign for KBG syndrome. Last evaluated: 2021-12-05. Review status: criteria provided, single submitter. Criteria: ACMG Guidelines, 2015. Collection method: clinical testing. Allele origin: germline. Affected: no.

Ambry Genetics
Classification: Likely benign for Inborn genetic diseases. Last evaluated: 2016-09-01. Review status: criteria provided, single submitter. Criteria: Ambry Variant Classification Scheme 2023. Collection method: clinical testing. Allele origin: germline.

Breakthrough Genomics
Classification: Likely benign. Review status: criteria provided, single submitter. Criteria: ACMG Guidelines, 2015. Collection method: not provided. Allele origin: germline. Inheritance: Autosomal dominant inheritance. Affected: yes.